The following is an entry in ClinVar:

ClinVar aggregate classification (germline): Uncertain significance (1 of 4 stars; one submission).

Allele frequency attached by ClinVar (database versions not stated): ExAC 0.00003; ESP Exome Variant Server 0.00008; gnomAD 0.00001.

Submission:

Labcorp Genetics (formerly Invitae), Labcorp
Classification: Uncertain significance. Last evaluated: 2024-10-28. Review status: criteria provided, single submitter. Criteria: Invitae Variant Classification Sherloc (09022015). Collection method: clinical testing. Allele origin: germline.
Comment: This sequence change replaces serine, which is neutral and polar, with tryptophan, which is neutral and slightly polar, at codon 6 of the NEUROG3 protein (p.Ser6Trp). This variant is present in population databases (rs138133772, gnomAD 0.009%). This variant has not been reported in the literature in individuals affected with NEUROG3-related conditions. An algorithm developed to predict the effect of missense changes on protein structure and function (PolyPhen-2) suggests that this variant is likely to be disruptive. In summary, the available evidence is currently insufficient to determine the role of this variant in disease. Therefore, it has been classified as a Variant of Uncertain Significance.

NM_020999.4(NEUROG3):c.17C>G (p.Ser6Trp)

Gene: NEUROG3 (neurogenin 3; minus strand). Cytogenetic location: 10q22.1.
Variant type: single nucleotide variant.
Coding change: c.17C>G on transcript NM_020999.4 (MANE Select); coding-DNA position 17, C replaced by G.
Protein change: p.Ser6Trp; replaces serine 6 with tryptophan.
Molecular consequence: missense variant.
Genome position (GRCh38, 1-based): chr10:69,573,027, G>C on the plus strand (C>G on the coding strand, the complement: NEUROG3 is on the minus strand). VCF-style: chr10-69573027-G-C. GRCh37 (hg19) VCF-style: chr10-71332783-G-C.
Other names: short protein forms S6W.
Identifiers: ClinVar variation 2962858 (VCV002962858.3), dbSNP rs138133772, ClinGen allele CA5533804.
Genomic context (GRCh38, chr10:69,573,027, plus strand): 5'-TCCGAGGCTCTGGGGAAGGACCGCTCCGTCTCACGGGTCACTTGGACAGTGGGCGCACCC[G>C]AGGGTTGAGGCGTCATCCTACGGCGGGGTCAGAGGGAAGGGTAAGTTTGAGTCCGTCACT-3'
Protein context (NP_066279.2, residues 1-16): MTPQP[Ser6Trp]GAPTVQVTRE